The following is an entry in ClinVar:

ClinVar aggregate classification (germline): Uncertain significance (1 of 4 stars; one submission).

Conditions:
BAP1-related tumor predisposition syndrome (TPDS1). Also called: Tumor susceptibility linked to germline BAP1 mutations; COMMON Syndrome; BAP1 tumor predisposition syndrome; TUMOR PREDISPOSITION SYNDROME 1. Identifiers: Orphanet 289539, MedGen C3280492, MONDO:0013692, OMIM 614327.

Submission:

Labcorp Genetics (formerly Invitae), Labcorp
Classification: Uncertain significance for BAP1-related tumor predisposition syndrome. Last evaluated: 2025-02-26. Review status: criteria provided, single submitter. Criteria: Invitae Variant Classification Sherloc (09022015). Collection method: clinical testing. Allele origin: germline.
Comment: This sequence change replaces isoleucine, which is neutral and non-polar, with valine, which is neutral and non-polar, at codon 226 of the BAP1 protein (p.Ile226Val). This variant is not present in population databases (gnomAD no frequency). This variant has not been reported in the literature in individuals affected with BAP1-related conditions. ClinVar contains an entry for this variant (Variation ID: 2004904). Invitae Evidence Modeling of protein sequence and biophysical properties (such as structural, functional, and spatial information, amino acid conservation, physicochemical variation, residue mobility, and thermodynamic stability) indicates that this missense variant is not expected to disrupt BAP1 protein function with a negative predictive value of 80%. In summary, the available evidence is currently insufficient to determine the role of this variant in disease. Therefore, it has been classified as a Variant of Uncertain Significance.

NM_004656.4(BAP1):c.676A>G (p.Ile226Val)

Gene: BAP1 (BRCA1 associated deubiquitinase 1; minus strand). Cytogenetic location: 3p21.1.
Variant type: single nucleotide variant.
Coding change: c.676A>G on transcript NM_004656.4 (MANE Select); coding-DNA position 676, A replaced by G.
Protein change: p.Ile226Val; replaces isoleucine 226 with valine.
Molecular consequence: missense variant.
Genome position (GRCh38, 1-based): chr3:52,406,360, T>C on the plus strand (A>G on the coding strand, the complement: BAP1 is on the minus strand). VCF-style: chr3-52406360-T-C. GRCh37 (hg19) VCF-style: chr3-52440376-T-C.
Other names: short protein forms I226V.
Identifiers: ClinVar variation 2004904 (VCV002004904.4), dbSNP rs2153227493, ClinGen allele CA353107529.